The following is an entry in ClinVar:

ClinVar aggregate classification (germline): Benign (1 of 4 stars; one submission).

Allele frequency attached by ClinVar (database versions not stated): gnomAD exomes 0.16583; gnomAD 0.18662 and 0.18920; TOPMed 0.20262; 1000 Genomes Project 30x 0.26921; 1000 Genomes Project 0.27157.
gnomAD v4.1: 254,113 of 1,505,070 alleles (17%); highest among the groups gnomAD compares: East Asian, 44%; 24,182 homozygotes.

Submission:

GeneDx
Classification: Benign. Last evaluated: 2018-06-15. Review status: criteria provided, single submitter. Criteria: GeneDx Variant Classification (06012015). Collection method: clinical testing. Allele origin: germline. Affected: yes.
Comment: This variant is considered likely benign or benign based on one or more of the following criteria: it is a conservative change, it occurs at a poorly conserved position in the protein, it is predicted to be benign by multiple in silico algorithms, and/or has population frequency not consistent with disease.

NM_001267550.2(TTN):c.25922-102T>G

Gene: TTN (titin; minus strand). Cytogenetic location: 2q31.2.
Variant type: single nucleotide variant.
Coding change: c.25922-102T>G on transcript NM_001267550.2 (MANE Select); 102 bases into the intron before coding-DNA position 25922, T replaced by G.
Molecular consequence: intron variant.
Genome position (GRCh38, 1-based): chr2:178,715,366, A>C on the plus strand (T>G on the coding strand, the complement: TTN is on the minus strand). VCF-style: chr2-178715366-A-C. GRCh37 (hg19) VCF-style: chr2-179580093-A-C.
Other names: c.13282+22716T>G (NM_003319.4); c.13858+22716T>G (NM_133437.4); c.13657+22716T>G (NM_133432.3); c.22190-102T>G (NM_133378.4); c.24971-102T>G (NM_001256850.1).
Identifiers: ClinVar variation 673091 (VCV000673091.1), dbSNP rs12622914, ClinGen allele CA11167861.